The following is an entry in ClinVar:

NM_006910.5(RBBP6):c.2355T>C (p.Asn785=)

Gene: RBBP6 (RB binding protein 6, ubiquitin ligase; plus strand). Cytogenetic location: 16p12.1.
Variant type: single nucleotide variant.
Coding change: c.2355T>C on transcript NM_006910.5 (MANE Select); coding-DNA position 2355, T replaced by C.
Protein change: p.Asn785=; no amino-acid change (asparagine 785 retained).
Molecular consequence: synonymous variant.
Genome position (GRCh38, 1-based): chr16:24,569,045, T>C. VCF-style: chr16-24569045-T-C. GRCh37 (hg19) VCF-style: chr16-24580366-T-C.
Other names: c.2253T>C, p.Asn751= (NM_018703.4).
Identifiers: ClinVar variation 1337517 (VCV001337517.5), dbSNP rs141293988, ClinGen allele CA7967600.

ClinVar aggregate classification (germline): Likely benign. Review status: criteria provided, multiple submitters, no conflicts (2 of 4 stars). 2 submissions from 2 submitters: Likely benign (2). Last evaluated 2026-09-19.

Conditions:
RBBP6-related disorder. Also called: RBBP6-related condition.

Allele frequency attached by ClinVar (database versions not stated): ESP Exome Variant Server 0.00139; TOPMed 0.00148; 1000 Genomes Project 30x 0.00078; 1000 Genomes Project 0.00100; ExAC 0.00105; gnomAD exomes 0.00108; gnomAD 0.00123 and 0.00124.
gnomAD v4.1: 3,279 of 1,614,146 alleles (0.2%); highest among the groups gnomAD compares: Non-Finnish European, 0.26%; 10 homozygotes.

Submissions (2):

PreventionGenetics, part of Exact Sciences
Classification: Likely benign for RBBP6-related condition. Last evaluated: 2026-09-19. Review status: criteria provided, single submitter. Criteria: ACMG Guidelines, 2015. Collection method: clinical testing. Allele origin: germline.
Comment: This variant is classified as likely benign based on ACMG/AMP sequence variant interpretation guidelines (Richards et al. 2015 PMID: 25741868, with internal and published modifications).

Genetic Services Laboratory, University of Chicago
Classification: Likely benign. Last evaluated: 2021-06-18. Review status: criteria provided, single submitter. Criteria: ACMG Guidelines, 2015. Collection method: clinical testing. Allele origin: germline. Affected: no.